The following is an entry in ClinVar:

NM_033159.4(HYAL1):c.406C>T (p.Arg136Cys)

Gene: HYAL1 (hyaluronidase 1; minus strand). Cytogenetic location: 3p21.31.
Variant type: single nucleotide variant.
Coding change: c.406C>T on transcript NM_033159.4 (MANE Select); coding-DNA position 406, C replaced by T.
Protein change: p.Arg136Cys; replaces arginine 136 with cysteine.
Molecular consequence: missense variant. On other transcripts: 5 prime UTR variant (1), non-coding transcript variant (1), intron variant (1).
Genome position (GRCh38, 1-based): chr3:50,302,551, G>A on the plus strand (C>T on the coding strand, the complement: HYAL1 is on the minus strand). VCF-style: chr3-50302551-G-A. GRCh37 (hg19) VCF-style: chr3-50339982-G-A.
Other names: c.406C>T, p.Arg136Cys (NM_007312.3, NM_153281.2, NM_153282.3); c.-141C>T (NM_153283.3); c.-26-346C>T (NM_153285.3); c.406C>T (NM_153281.1); short protein forms R136C.
Identifiers: ClinVar variation 2074031 (VCV002074031.2), dbSNP rs144099069, ClinGen allele CA2415959.
Genomic context (GRCh38, chr3:50,302,551, plus strand): 5'-GTACCAGTGCCCGTGAGCGCTGCCGGTAAATGTCCTTGGTGTCCCAGTTGAAGGCCCAGC[G>A]TGGGCGCCATGCCTCCCAGTCGATGACTGCCAGCCCTGAGAAGTCAGGAGCAGGTATGGC-3'
Protein context (NP_149349.2, residues 126-146): AVIDWEAWRP[Arg136Cys]WAFNWDTKDI

ClinVar aggregate classification (germline): Uncertain significance. Review status: criteria provided, multiple submitters, no conflicts (2 of 4 stars). 2 submissions from 2 submitters: Uncertain significance (2). Last evaluated 2025-04-12.

Conditions:
Deficiency of hyaluronoglucosaminidase (MPS9). Also called: MPS IX; HYALURONIDASE DEFICIENCY; Mucopolysaccharidosis type 9. Identifiers: Orphanet 67041, MedGen C1291490, MONDO:0011093, OMIM 601492.

Allele frequency attached by ClinVar (database versions not stated): ExAC 0.00002; gnomAD exomes 0.00002; gnomAD 0.00007; ESP Exome Variant Server 0.00008; TOPMed 0.00010; 1000 Genomes Project 30x 0.00016; 1000 Genomes Project 0.00020.
gnomAD v4.1: 43 of 1,614,180 alleles (0.0027%); highest among the groups gnomAD compares: African/African-American, 0.008%; no homozygotes.

Submissions (2):

Ambry Genetics
Classification: Uncertain significance. Last evaluated: 2025-04-12. Review status: criteria provided, single submitter. Criteria: Ambry Variant Classification Scheme 2023. Collection method: clinical testing. Allele origin: germline.

Labcorp Genetics (formerly Invitae), Labcorp
Classification: Uncertain significance for Deficiency of hyaluronoglucosaminidase. Last evaluated: 2022-05-02. Review status: criteria provided, single submitter. Criteria: Invitae Variant Classification Sherloc (09022015). Collection method: clinical testing. Allele origin: germline.
Comment: This sequence change replaces arginine, which is basic and polar, with cysteine, which is neutral and slightly polar, at codon 136 of the HYAL1 protein (p.Arg136Cys). The frequency data for this variant in the population databases is considered unreliable, as metrics indicate poor data quality at this position in the gnomAD database. This variant has not been reported in the literature in individuals affected with HYAL1-related conditions. Algorithms developed to predict the effect of missense changes on protein structure and function are either unavailable or do not agree on the potential impact of this missense change (SIFT: "Deleterious"; PolyPhen-2: "Probably Damaging"; Align-GVGD: "Class C15"). In summary, the available evidence is currently insufficient to determine the role of this variant in disease. Therefore, it has been classified as a Variant of Uncertain Significance.